The following is an entry in ClinVar:

NM_004006.3(DMD):c.8944C>T (p.Arg2982Ter)

Gene: DMD (dystrophin; minus strand). Cytogenetic location: Xp21.2.
Variant type: single nucleotide variant.
Coding change: c.8944C>T on transcript NM_004006.3 (MANE Select); coding-DNA position 8944, C replaced by T.
Protein change: p.Arg2982Ter; replaces arginine 2982 with a stop codon.
Molecular consequence: nonsense.
Genome position (GRCh38, 1-based): chrX:31,444,621, G>A on the plus strand (C>T on the coding strand, the complement: DMD is on the minus strand). VCF-style: chrX-31444621-G-A. GRCh37 (hg19) VCF-style: chrX-31462738-G-A.
Other names: NP_003997.1:p.Arg2982*; p.Arg2982Ter; c.8920C>T, p.Arg2974Ter (NM_000109.4); c.8932C>T, p.Arg2978Ter (NM_004009.3); c.8575C>T, p.Arg2859Ter (NM_004010.3); c.4921C>T, p.Arg1641Ter (NM_004011.4); c.4912C>T, p.Arg1638Ter (NM_004012.4); c.1564C>T, p.Arg522Ter (NM_004013.3, NM_004020.4, NM_004021.3 and 2 more transcripts); and 1 more; short protein forms R2982*, R522*, R1641*, R2978*, R1638*, R2859*, R253*, R2974*.
Identifiers: ClinVar variation 11211 (VCV000011211.24), dbSNP rs128625229, ClinGen allele CA273079.

ClinVar aggregate classification (germline): Pathogenic. Review status: criteria provided, multiple submitters, no conflicts (2 of 4 stars). 8 submissions from 8 submitters: Pathogenic (7). 1 of the submissions does not count toward it. Last evaluated 2026-02-23.

Conditions:
Becker muscular dystrophy, Cardiomyopathy, Duchenne muscular dystrophy, Dystrophin deficiency.
Duchenne muscular dystrophy (DMD). Also called: MUSCULAR DYSTROPHY, PSEUDOHYPERTROPHIC PROGRESSIVE, DUCHENNE TYPE; Duchenne Muscular Dystrophy (DMD). Identifiers: Orphanet 98896, MedGen C0013264, MONDO:0010679, OMIM 310200.
Becker muscular dystrophy (BMD). Also called: MUSCULAR DYSTROPHY, PSEUDOHYPERTROPHIC PROGRESSIVE, BECKER TYPE; Becker Muscular Dystrophy (BMD). Identifiers: Orphanet 98895, MedGen C0917713, MONDO:0010311, OMIM 300376.

Submissions (8):

Foundation for Research in Genetics and Endocrinology, FRIGE's Institute of Human Genetics
Classification: Pathogenic for Duchenne muscular dystrophy; Becker muscular dystrophy. Last evaluated: 2026-02-23. Review status: criteria provided, single submitter. Criteria: ACMG Guidelines, 2015. Collection method: clinical testing. Allele origin: germline. Inheritance: X-linked recessive inheritance. Affected: yes. Observed: 1 compound heterozygote.
Comment: A hemizygous nonsense variant in exon 60 of the DMD gene (chrX:g.31444621G>A; Depth: 31x) that results in a stop codon and premature truncation of the protein at codon 2982 (p.Arg2982Ter; ENST00000357033.9) was detected. The variant has not been reported in the 1000 genomes, gnomAD (v3.1), gnomAD (v2.1) and topmed databases .The reference codon is conserved across species.

Natera, Inc.
Classification: Pathogenic for Becker muscular dystrophy, Cardiomyopathy, Duchenne muscular dystrophy, Dystrophin deficiency. Last evaluated: 2025-02-07. Review status: criteria provided, single submitter. Criteria: Natera Variant Classification Schema (03/2026). Collection method: clinical testing. Allele origin: germline.
Comment: The c.8944C>T variant in DMD is a nonsense variant predicted to introduce a stop codon at amino acid 2982. This variant is expected to result in nonsense mediated decay, truncation, or a dysfunctional protein product. This variant is rare in the general population with a frequency below the threshold expected for the associated phenotype(s). This variant has been observed in affected individual(s) with monoallelic occurrence (heterozygous/hemizygous) (PMID: 28859693, 25972034, 23536893, 21396098, 21515508, 33773883, 25612904, 19959795). Given the available evidence, this variant is classified as Pathogenic.

Labcorp Genetics (formerly Invitae), Labcorp
Classification: Pathogenic for Duchenne muscular dystrophy. Last evaluated: 2024-09-21. Review status: criteria provided, single submitter. Criteria: Invitae Variant Classification Sherloc (09022015). Collection method: clinical testing. Allele origin: germline.
Comment: This sequence change creates a premature translational stop signal (p.Arg2982*) in the DMD gene. It is expected to result in an absent or disrupted protein product. Loss-of-function variants in DMD are known to be pathogenic (PMID: 16770791, 25007885). This variant is not present in population databases (gnomAD no frequency). This premature translational stop signal has been observed in individuals with Duchenne muscular dystrophy (PMID: 1549596, 21396098, 21515508, 23536893, 26968818, 28859693). ClinVar contains an entry for this variant (Variation ID: 11211). For these reasons, this variant has been classified as Pathogenic.

Revvity Omics, Revvity
Classification: Pathogenic. Last evaluated: 2024-06-19. Review status: criteria provided, single submitter. Criteria: ACMG Guidelines, 2015. Collection method: clinical testing. Allele origin: germline.

Laboratory of Medical Genetics, National & Kapodistrian University of Athens
Classification: Pathogenic for Duchenne muscular dystrophy. Last evaluated: 2022-12-16. Review status: criteria provided, single submitter. Criteria: ACMG Guidelines, 2015. Collection method: clinical testing. Allele origin: germline. Affected: yes.
Comment: PVS1, PM2, PP5

Athena Diagnostics
Classification: Pathogenic. Last evaluated: 2022-09-29. Review status: criteria provided, single submitter. Criteria: Athena Diagnostics Criteria. Collection method: clinical testing. Allele origin: unknown.
Comment: This variant is expected to result in the loss of a functional protein. This variant has been identified in multiple unrelated males with Duchenne muscular dystrophy and at least one individual with dilated cardiomyopathy. This variant has not been reported in large, multi-ethnic general populations.

Eurofins Ntd Llc (ga)
Classification: Pathogenic. Last evaluated: 2017-10-20. Review status: criteria provided, single submitter. Criteria: EGL Classification Definitions 2015. Collection method: clinical testing. Allele origin: germline. Observed: 10 variant alleles, 4 heterozygotes, 2 homozygotes, 4 hemizygotes.

OMIM
Classification: Pathogenic for DUCHENNE MUSCULAR DYSTROPHY. Last evaluated: 1992-03-15. Review status: no assertion criteria provided. Collection method: literature only. Allele origin: germline. Not counted in ClinVar's aggregate classification.

Literature cited by the submitters: PubMed 29604111 (cited by Foundation for Research in Genetics and Endocrinology, FRIGE's Institute of Human Genetics and Athena Diagnostics); PubMed 28859693 (cited by Natera, Inc. and Labcorp Genetics (formerly Invitae), Labcorp); PubMed 25972034 (cited by Natera, Inc.); PubMed 23536893 (cited by Natera, Inc. and Labcorp Genetics (formerly Invitae), Labcorp); PubMed 21396098 (cited by 3 submitters); PubMed 21515508 (cited by 3 submitters); PubMed 33773883 (cited by Natera, Inc. and Athena Diagnostics); PubMed 25612904 (cited by Natera, Inc.); PubMed 19959795 (cited by Natera, Inc. and Athena Diagnostics); PubMed 16770791 (cited by Labcorp Genetics (formerly Invitae), Labcorp); PubMed 25007885 (cited by Labcorp Genetics (formerly Invitae), Labcorp); PubMed 1549596 (cited by 3 submitters); PubMed 26968818 (cited by Labcorp Genetics (formerly Invitae), Labcorp and Athena Diagnostics); PubMed 11524473 (cited by Athena Diagnostics); PubMed 16566881 (cited by Athena Diagnostics); PubMed 7611292 (cited by Athena Diagnostics); PubMed 31514951 (cited by Athena Diagnostics); PubMed 31081998 (cited by Athena Diagnostics); PubMed 15643612 (cited by Athena Diagnostics).